The following is an entry in ClinVar:

ClinVar aggregate classification (germline): Pathogenic (1 of 4 stars; one submission).

Conditions:
Cerebral cavernous malformation (CCM). Also called: CAVERNOUS ANGIOMA, FAMILIAL; CAVERNOUS ANGIOMATOUS MALFORMATIONS; CEREBRAL CAPILLARY MALFORMATIONS; Cerebral cavernous malformations; Cavernous Hemangioma of Brain; Cerebral cavernous hemangioma (type). Identifiers: Orphanet 221061, MedGen C2919945, MONDO:0000820, OMIM 116860, HP:0033522.

Submission:

Labcorp Genetics (formerly Invitae), Labcorp
Classification: Pathogenic for Cerebral cavernous malformation. Last evaluated: 2022-06-23. Review status: criteria provided, single submitter. Criteria: Invitae Variant Classification Sherloc (09022015). Collection method: clinical testing. Allele origin: germline.
Comment: For these reasons, this variant has been classified as Pathogenic. ClinVar contains an entry for this variant (Variation ID: 468220). This variant is also known as W64X. This premature translational stop signal has been observed in individual(s) with sporadic cerebral cavernous malformations (PMID: 11222804). This variant is not present in population databases (gnomAD no frequency). This sequence change creates a premature translational stop signal (p.Trp271*) in the KRIT1 gene. It is expected to result in an absent or disrupted protein product. Loss-of-function variants in KRIT1 are known to be pathogenic (PMID: 10508515, 11222804, 12404106, 24689081).

Literature cited by the submitters: PubMed 11222804; PubMed 10508515; PubMed 12404106; PubMed 24689081.

NM_194454.3(KRIT1):c.812G>A (p.Trp271Ter)

Gene: KRIT1 (KRIT1 ankyrin repeat containing; minus strand). Cytogenetic location: 7q21.2.
Variant type: single nucleotide variant.
Coding change: c.812G>A on transcript NM_194454.3 (MANE Select); coding-DNA position 812, G replaced by A.
Protein change: p.Trp271Ter; replaces tryptophan 271 with a stop codon.
Molecular consequence: nonsense.
Genome position (GRCh38, 1-based): chr7:92,234,841, C>T on the plus strand (G>A on the coding strand, the complement: KRIT1 is on the minus strand). VCF-style: chr7-92234841-C-T. GRCh37 (hg19) VCF-style: chr7-91864155-C-T.
Other names: c.812G>A, p.Trp271Ter (NM_001013406.2, NM_001350669.1, NM_001350670.1 and 29 more transcripts); c.98G>A, p.Trp33Ter (NM_001350671.1); short protein forms W271*, W33*.
Identifiers: ClinVar variation 468220 (VCV000468220.9), dbSNP rs1554527779, ClinGen allele CA368158496.